The following is an entry in ClinVar:

ClinVar aggregate classification (germline): Conflicting classifications of pathogenicity. Review status: criteria provided, conflicting classifications (1 of 4 stars). 2 submissions from 2 submitters: Uncertain significance (1); Likely benign (1). Last evaluated 2025-09-04.

Conditions:
CDHR1-related disorder. Also called: CDHR1-related condition.

gnomAD v4.1: 38 of 1,609,008 alleles (0.0024%); highest among the groups gnomAD compares: African/African-American, 0.033%; no homozygotes.

Submissions (2):

PreventionGenetics, part of Exact Sciences
Classification: Likely benign for CDHR1-related condition. Last evaluated: 2025-09-04. Review status: criteria provided, single submitter. Criteria: ACMG Guidelines, 2015. Collection method: clinical testing. Allele origin: germline.
Comment: This variant is classified as likely benign based on ACMG/AMP sequence variant interpretation guidelines (Richards et al. 2015 PMID: 25741868, with internal and published modifications).

Blueprint Genetics
Classification: Uncertain significance. Last evaluated: 2022-06-13. Review status: criteria provided, single submitter. Criteria: ACMG Guidelines, 2015. Collection method: clinical testing. Allele origin: germline.

NM_033100.4(CDHR1):c.784-6C>T

Gene: CDHR1 (cadherin related family member 1; plus strand). Cytogenetic location: 10q23.1.
Variant type: single nucleotide variant.
Coding change: c.784-6C>T on transcript NM_033100.4 (MANE Select); 6 bases into the intron before coding-DNA position 784, C replaced by T.
Molecular consequence: intron variant.
Genome position (GRCh38, 1-based): chr10:84,204,521, C>T. VCF-style: chr10-84204521-C-T. GRCh37 (hg19) VCF-style: chr10-85964277-C-T.
Other names: c.784-6C>T (NM_033100.3, NM_001171971.3).
Identifiers: ClinVar variation 4908355 (VCV004908355.2).
Genomic context (GRCh38, chr10:84,204,521, plus strand): 5'-CATTGTTTGGGGAGGGGAGGGTCCCCATATTGCCCATCAGGCAGCGGCTGTTCCTGTTTC[C>T]CCGAGGGCTCGGAGGTACTGAAGGTGGTCGCCATGGATGGAGACCGGGGCAAACCCAATC-3'